The following is an entry in ClinVar:

ClinVar aggregate classification (germline): Uncertain significance (1 of 4 stars; one submission).

Conditions:
LEPR-related disorder. Also called: LEPR-related disorders; LEPR-related condition.

gnomAD v4.1: 1 of 1,613,046 alleles (0.000062%); highest among the groups gnomAD compares: Admixed American, 0.0017%; no homozygotes.

Submission:

PreventionGenetics, part of Exact Sciences
Classification: Uncertain significance for LEPR-related condition. Last evaluated: 2026-07-17. Review status: criteria provided, single submitter. Criteria: ACMG Guidelines, 2015. Collection method: clinical testing. Allele origin: germline.
Comment: The LEPR c.2289T>G variant is predicted to result in the amino acid substitution p.Ser763Arg. To our knowledge, this variant has not been reported in the literature or in a large population database (gnomAD), indicating this variant is rare. At this time, the clinical significance of this variant is uncertain due to the absence of conclusive functional and genetic evidence.

NM_002303.6(LEPR):c.2289T>G (p.Ser763Arg)

Gene: LEPR (leptin receptor; plus strand). Cytogenetic location: 1p31.3.
Variant type: single nucleotide variant.
Coding change: c.2289T>G on transcript NM_002303.6 (MANE Select); coding-DNA position 2289, T replaced by G.
Protein change: p.Ser763Arg; replaces serine 763 with arginine.
Molecular consequence: missense variant.
Genome position (GRCh38, 1-based): chr1:65,618,040, T>G. VCF-style: chr1-65618040-T-G. GRCh37 (hg19) VCF-style: chr1-66083723-T-G.
Other names: c.2289T>G, p.Ser763Arg (NM_001003679.3, NM_001003680.3, NM_001198687.2 and 2 more transcripts); short protein forms S763R.
Identifiers: ClinVar variation 4984945 (VCV004984945.1).